The following is an entry in ClinVar:

ClinVar aggregate classification (germline): Benign (1 of 4 stars; one submission).

Conditions:
Cystic fibrosis (CF). Also called: MUCOVISCIDOSIS. Identifiers: Orphanet 586, MedGen C0010674, MONDO:0009061, OMIM 219700. Disease mechanism: loss of function.

Allele frequency attached by ClinVar (database versions not stated): gnomAD 0.54845; 1000 Genomes Project 0.57428; 1000 Genomes Project 30x 0.58214; TOPMed 0.55479.
gnomAD v4.1: 83,019 of 151,932 alleles (55%); highest among the groups gnomAD compares: African/African-American, 83%; 25,350 homozygotes.

Submission:

CFTR-France
Classification: Benign for Cystic fibrosis. Last evaluated: 2019-06-04. Review status: criteria provided, single submitter. Criteria: Claustres M et al. (Hum Mutat 2017). Collection method: curation. Allele origin: germline. Affected: yes and no. Observed: 2 variant alleles.
Comment: the variant does not result in CFTR-RD neither

NM_000492.4(CFTR):c.1585-9218G>A

Gene: CFTR (CF transmembrane conductance regulator; plus strand). Cytogenetic location: 7q31.2.
Variant type: single nucleotide variant.
Coding change: c.1585-9218G>A on transcript NM_000492.4 (MANE Select); 9218 bases into the intron before coding-DNA position 1585, G replaced by A.
Molecular consequence: intron variant.
Genome position (GRCh38, 1-based): chr7:117,578,521, G>A. VCF-style: chr7-117578521-G-A. GRCh37 (hg19) VCF-style: chr7-117218575-G-A.
Identifiers: ClinVar variation 1704415 (VCV001704415.1), dbSNP rs213953, ClinGen allele CA12546339.
Genomic context (GRCh38, chr7:117,578,521, plus strand): 5'-CTTCTGGTCAACAGTAGACTATTGCTAGTTAAGTTTCTGGTAGTTACAAGTTATATGTGG[G>A]TGTTCGACTGCATGGGGAGTCAGCACCCCAACCCTCATGTTGTCCAAGGGCGTTGTCCAA-3'